The following continues an entry in ClinVar:

NM_007294.4(BRCA1):c.3607C>T (p.Arg1203Ter)

ClinVar aggregate classification (germline): Pathogenic. Pathogenic (1).

Submissions 50 to 56 of 56:

Breast Cancer Information Core (BIC) (BRCA1)
No classification provided. Condition: Breast-ovarian cancer, familial 1. Review status: no classification provided. Collection method: clinical testing. Allele origin: germline. Affected: yes. Observed: 36 variant alleles. Not counted in ClinVar's aggregate classification.

Center for Precision Medicine, Meizhou People's Hospital
Classification: Pathogenic for Familial cancer of breast. Review status: no assertion criteria provided. Collection method: literature only. Allele origin: germline. Affected: yes. Not counted in ClinVar's aggregate classification.

Department of Pathology and Laboratory Medicine, Sinai Health System
Classification: Pathogenic. Review status: no assertion criteria provided. Collection method: clinical testing. Allele origin: unknown. Affected: yes. Observed: 4 variant alleles. Study: The Canadian Open Genetics Repository (COGR). Not counted in ClinVar's aggregate classification.
Comment: The p.Arg1203X variant has been previously reported in the literature in 7 of 12470 individuals with hereditary breast or ovarian cancer (Selected publications: Konstantopoulou 2008, Manguoglu 2003, Borg 2010, Kim 2012). The variant was also reported 22 times in the UMD database ase "causal" and 31 times in the BIC database as "clinically important". The variant was also reported 1 time in the ESP project at low frequency (0.0002) and by dbSNP (ID: rs62625308). This variant leads to a premature stop codon at position 1203, which is predicted to lead to a truncated or absent protein and loss of function. Loss of function variants of the BRCA1 gene are an established mechanism of disease for hereditary breast and ovarian cancer. In summary, based on the above information, this variant is classified as pathogenic.

Diagnostic Laboratory, Department of Genetics, University Medical Center Groningen
Classification: Pathogenic for Breast-ovarian cancer, familial, susceptibility to, 1. Review status: no assertion criteria provided. Collection method: clinical testing. Allele origin: germline. Affected: yes. Study: VKGL Data-share Consensus. Not counted in ClinVar's aggregate classification.

Joint Genome Diagnostic Labs from Nijmegen and Maastricht, Radboudumc and MUMC+
Classification: Pathogenic. Review status: no assertion criteria provided. Collection method: clinical testing. Allele origin: germline. Affected: yes. Study: VKGL Data-share Consensus. Not counted in ClinVar's aggregate classification.

Laboratory of Diagnostic Genome Analysis, Leiden University Medical Center (LUMC)
Classification: Pathogenic. Review status: no assertion criteria provided. Collection method: clinical testing. Allele origin: germline. Affected: yes. Study: VKGL Data-share Consensus. Not counted in ClinVar's aggregate classification.

Laboratory of Urology, Hospital Clinic de Barcelona
Classification: Pathogenic for Malignant tumor of urinary bladder. Review status: no assertion criteria provided. Collection method: research. Allele origin: somatic. Affected: yes. Not counted in ClinVar's aggregate classification.

Literature cited by the submitters: PubMed 20104584 (cited by Labcorp Genetics (formerly Invitae), Labcorp and Quest Diagnostics Nichols Institute San Juan Capistrano); PubMed 7894493 (cited by 7 submitters); PubMed 21324516 (cited by 6 submitters); PubMed 22006311 (cited by 9 submitters); PubMed 22752604 (cited by 9 submitters); PubMed 24010542 (cited by 8 submitters); PubMed 24218521 (cited by 4 submitters); PubMed 28324225 (cited by 3 submitters); PubMed 22798144 (cited by 4 submitters); PubMed 23536787 (cited by 3 submitters); PubMed 23961350 (cited by 5 submitters); PubMed 25452441 (cited by 3 submitters); PubMed 28993434 (cited by 3 submitters); PubMed 29310832 (cited by 3 submitters); PubMed 29339979 (cited by 3 submitters); PubMed 29470806 (cited by 3 submitters); PubMed 29752822 (cited by 3 submitters); PubMed 30555256 (cited by 3 submitters); PubMed 30720863 (cited by 3 submitters); PubMed 31372034 (cited by 3 submitters); PubMed 33151324 (cited by All of Us Research Program, National Institutes of Health and Color Diagnostics, LLC DBA Color Health); PubMed 33442023 (cited by 3 submitters); PubMed 33471991 (cited by All of Us Research Program, National Institutes of Health and Color Diagnostics, LLC DBA Color Health); PubMed 30702160 (cited by Quest Diagnostics Nichols Institute San Juan Capistrano); PubMed 29446198 (cited by Quest Diagnostics Nichols Institute San Juan Capistrano); PubMed 31159747 (cited by Quest Diagnostics Nichols Institute San Juan Capistrano); PubMed 31528241 (cited by Quest Diagnostics Nichols Institute San Juan Capistrano); PubMed 31825140 (cited by Quest Diagnostics Nichols Institute San Juan Capistrano); PubMed 32710294 (cited by Quest Diagnostics Nichols Institute San Juan Capistrano); PubMed 32832836 (cited by Quest Diagnostics Nichols Institute San Juan Capistrano); PubMed 33087929 (cited by Quest Diagnostics Nichols Institute San Juan Capistrano); PubMed 12655560 (cited by Quest Diagnostics Nichols Institute San Juan Capistrano and Laboratory for Molecular Medicine, Mass General Brigham Personalized Medicine); PubMed 21553119 (cited by Quest Diagnostics Nichols Institute San Juan Capistrano); PubMed 26295337 (cited by Quest Diagnostics Nichols Institute San Juan Capistrano); PubMed 11802209 (cited by Women's Health and Genetics/Laboratory Corporation of America, LabCorp); PubMed 15865297 (cited by Laboratory for Molecular Medicine, Mass General Brigham Personalized Medicine); PubMed 12402341 (cited by Laboratory for Molecular Medicine, Mass General Brigham Personalized Medicine); PubMed 26028024 (cited by Laboratory for Molecular Medicine, Mass General Brigham Personalized Medicine); PubMed 25637381 (cited by Laboratory for Molecular Medicine, Mass General Brigham Personalized Medicine); PubMed 25525159 (cited by Laboratory for Molecular Medicine, Mass General Brigham Personalized Medicine and Counsyl); PubMed 15145354 (cited by 3DMed Clinical Laboratory Inc); PubMed 36988593 (cited by Laboratory for Genotyping Development, RIKEN); PubMed 9150154 (cited by Counsyl); PubMed 10227398 (cited by Counsyl).